The following is an entry in ClinVar:

NM_020699.4(GATAD2B):c.807C>T (p.Asn269=)

Gene: GATAD2B (GATA zinc finger domain containing 2B; minus strand). Cytogenetic location: 1q21.3.
Variant type: single nucleotide variant.
Coding change: c.807C>T on transcript NM_020699.4 (MANE Select); coding-DNA position 807, C replaced by T.
Protein change: p.Asn269=; no amino-acid change (asparagine 269 retained).
Molecular consequence: synonymous variant.
Genome position (GRCh38, 1-based): chr1:153,817,465, G>A on the plus strand (C>T on the coding strand, the complement: GATAD2B is on the minus strand). VCF-style: chr1-153817465-G-A. GRCh37 (hg19) VCF-style: chr1-153789941-G-A.
Identifiers: ClinVar variation 4821057 (VCV004821057.4).

ClinVar aggregate classification (germline): Likely benign (1 of 4 stars; one submission).

gnomAD v4.1: 1 of 1,613,664 alleles (0.000062%); highest among the groups gnomAD compares: Non-Finnish European, 0.000085%; no homozygotes.

Submission:

CeGaT Center for Human Genetics Tuebingen
Classification: Likely benign. Last evaluated: 2026-03-01. Review status: criteria provided, single submitter. Criteria: CeGaT Center For Human Genetics Tuebingen Variant Classification Criteria Version 2. Collection method: clinical testing. Allele origin: germline. Affected: yes. Observed: 1 variant allele.
Comment: GATAD2B: BP4, BP7